The following is an entry in ClinVar:

ClinVar aggregate classification (germline): Uncertain significance. Review status: criteria provided, multiple submitters, no conflicts (2 of 4 stars). 2 submissions from 2 submitters: Uncertain significance (2). Last evaluated 2024-06-09.

Conditions:
Hereditary cancer-predisposing syndrome. Also called: Hereditary Cancer Syndrome; Hereditary neoplastic syndrome; Neoplastic Syndromes, Hereditary; Tumor predisposition. Identifiers: Orphanet 140162, MedGen C0027672, MeSH D009386, MONDO:0015356.
Bloom syndrome (BLM). Also called: Bloom-Torre-Machacek syndrome. Identifiers: Orphanet 125, MedGen C0005859, MONDO:0008876, OMIM 210900.

gnomAD v4.1: 1 of 1,614,064 alleles (0.000062%); highest among the groups gnomAD compares: Non-Finnish European, 0.000085%; no homozygotes.

Submissions (2):

Ambry Genetics
Classification: Uncertain significance for Hereditary cancer-predisposing syndrome. Last evaluated: 2024-06-09. Review status: criteria provided, single submitter. Criteria: Ambry Variant Classification Scheme 2023. Collection method: clinical testing. Allele origin: germline.
Comment: The p.T1223I variant (also known as c.3668C>T), located in coding exon 18 of the BLM gene, results from a C to T substitution at nucleotide position 3668. The threonine at codon 1223 is replaced by isoleucine, an amino acid with similar properties. This amino acid position is conserved. In addition, this alteration is predicted to be tolerated by in silico analysis. Based on the available evidence, the clinical significance of this variant remains unclear.

Labcorp Genetics (formerly Invitae), Labcorp
Classification: Uncertain significance for Bloom syndrome. Last evaluated: 2022-06-26. Review status: criteria provided, single submitter. Criteria: Invitae Variant Classification Sherloc (09022015). Collection method: clinical testing. Allele origin: germline.
Comment: In summary, the available evidence is currently insufficient to determine the role of this variant in disease. Therefore, it has been classified as a Variant of Uncertain Significance. Algorithms developed to predict the effect of missense changes on protein structure and function are either unavailable or do not agree on the potential impact of this missense change (SIFT: "Tolerated"; PolyPhen-2: "Possibly Damaging"; Align-GVGD: "Class C0"). This variant has not been reported in the literature in individuals affected with BLM-related conditions. This variant is not present in population databases (gnomAD no frequency). This sequence change replaces threonine, which is neutral and polar, with isoleucine, which is neutral and non-polar, at codon 1223 of the BLM protein (p.Thr1223Ile).

NM_000057.4(BLM):c.3668C>T (p.Thr1223Ile)

Gene: BLM (BLM RecQ like helicase; plus strand). Cytogenetic location: 15q26.1.
Variant type: single nucleotide variant.
Coding change: c.3668C>T on transcript NM_000057.4 (MANE Select); coding-DNA position 3668, C replaced by T.
Protein change: p.Thr1223Ile; replaces threonine 1223 with isoleucine.
Molecular consequence: missense variant. On other transcripts: intron variant (1).
Genome position (GRCh38, 1-based): chr15:90,804,276, C>T. VCF-style: chr15-90804276-C-T. GRCh37 (hg19) VCF-style: chr15-91347506-C-T.
Other names: c.3668C>T, p.Thr1223Ile (NM_001287246.2); c.2543C>T, p.Thr848Ile (NM_001287248.2); c.3359-4861C>T (NM_001287247.2); c.3668C>T (NM_000057.2); short protein forms T1223I, T848I.
Identifiers: ClinVar variation 1449860 (VCV001449860.9), dbSNP rs772506214, ClinGen allele CA393848126.